The following is an entry in ClinVar:

ClinVar aggregate classification (germline): Likely pathogenic (1 of 4 stars; one submission).

Conditions:
Mucopolysaccharidosis, MPS-II (MPS2). Also called: Hunter Syndrome; IDURONATE 2-SULFATASE DEFICIENCY; Mucopolysaccharidosis Type II; Mucopolysaccharidosis type 2; Attenuated MPS (subtype; formerly known as mild MPS II); Severe MPS II. Identifiers: Orphanet 580, Orphanet 79388, MedGen C0026705, MONDO:0010674, OMIM 309900.

Submission:

Laboratory of Diagnosis and Therapy of Lysosomal Disorders, University of Padova
Classification: Likely pathogenic for Mucopolysaccharidosis, MPS-II. Last evaluated: 2024-06-07. Review status: criteria provided, single submitter. Criteria: ACMG Guidelines, 2015. Collection method: literature only. Allele origin: germline. Affected: yes. Observed: 1 variant allele.
Comment: Absent from controls (or at low frequency) in gnomAD database (PM2_Moderate), Missense variant in a gene with a low rate of benign missense variation (PP2_Supporting), Multiple lines of computational evidence support a deleterious effect (PP3_Supporting), Patient’s phenotype or family history highly specific for the disease (PP4_Strong)

Classification method: ACMG Guidelines [PMID:25741868] with modifications

Literature cited by the submitters: PubMed 7981716.

NM_000202.8(IDS):c.203C>A (p.Ala68Glu)

Gene: IDS (iduronate 2-sulfatase; minus strand). Cytogenetic location: Xq28.
Variant type: single nucleotide variant.
Coding change: c.203C>A on transcript NM_000202.8 (MANE Select); coding-DNA position 203, C replaced by A.
Protein change: p.Ala68Glu; replaces alanine 68 with glutamic acid.
Molecular consequence: missense variant. On other transcripts: 5 prime UTR variant (1), non-coding transcript variant (1).
Genome position (GRCh38, 1-based): chrX:149,504,194, G>T on the plus strand (C>A on the coding strand, the complement: IDS is on the minus strand). VCF-style: chrX-149504194-G-T. GRCh37 (hg19) VCF-style: chrX-148585724-G-T.
Other names: c.-24C>A (NM_001166550.4); c.203C>A, p.Ala68Glu (NM_006123.5); short protein forms A68E.
Identifiers: ClinVar variation 3256061 (VCV003256061.2).